The following is an entry in ClinVar:

ClinVar aggregate classification (germline): not provided (0 of 4 stars; one submission).

Submissions (2):

Cardiovascular Biomedical Research Unit, Royal Brompton & Harefield NHS Foundation Trust
No classification provided. Review status: no classification provided. Collection method: literature only. Allele origin: germline.
Comment: This variant has been reported in the following publications (PMID:10428953).

Roden Lab, Vanderbilt University Medical Center
No classification provided (evidence only). Condition: Long QT syndrome 5. Review status: no classification provided. Collection method: in vitro. Allele origin: not applicable. Functional consequence: Effect on ion channel function. Not counted in ClinVar's aggregate classification.
ClinVar note: "not provided" was previously submitted as the classification for the variant. However, the classification appeared to be based only on an observation of functional data so it was converted to no classification on 2025-07-30.

Literature cited by the submitters: PubMed 10428953 (cited by Cardiovascular Biomedical Research Unit, Royal Brompton & Harefield NHS Foundation Trust); PubMed 22581653 (cited by Cardiovascular Biomedical Research Unit, Royal Brompton & Harefield NHS Foundation Trust).

NM_000219.6(KCNE1):c.115G>A (p.Asp39Asn)

Gene: KCNE1 (potassium voltage-gated channel subfamily E regulatory subunit 1; minus strand). Cytogenetic location: 21q22.12.
Variant type: single nucleotide variant.
Coding change: c.115G>A on transcript NM_000219.6 (MANE Select); coding-DNA position 115, G replaced by A.
Protein change: p.Asp39Asn; replaces aspartic acid 39 with asparagine.
Molecular consequence: missense variant.
Genome position (GRCh38, 1-based): chr21:34,449,520, C>T on the plus strand (G>A on the coding strand, the complement: KCNE1 is on the minus strand). VCF-style: chr21-34449520-C-T. GRCh37 (hg19) VCF-style: chr21-35821818-C-T.
Other names: c.115G>A, p.Asp39Asn (NM_001127668.4, NM_001127669.4, NM_001127670.4 and 4 more transcripts); c.115G>A (LRG_290t1); short protein forms D39N.
Identifiers: ClinVar variation 132652 (VCV000132652.3), dbSNP rs199473352, ClinGen allele CA231692.
Genomic context (GRCh38, chr21:34,449,520, plus strand): 5'-GGGTGAAGAAGCCGAAGAATCCCAGTACCATGAGGACGTAGAGGGCCTCCAGCTTGCCGT[C>T]ACTGCTGCGGGGGGACCTGCGGGCCAGGCCCGACATGTTGCCACCCTGCTGAACTGTCTC-3'
Protein context (NP_000210.2, residues 29-49): GLARRSPRSS[Asp39Asn]GKLEALYVLM